The following is an entry in ClinVar:

NM_024009.3(GJB3):c.479G>T (p.Arg160Leu)

Gene: GJB3 (gap junction protein beta 3; plus strand). Cytogenetic location: 1p34.3.
Variant type: single nucleotide variant.
Coding change: c.479G>T on transcript NM_024009.3 (MANE Select); coding-DNA position 479, G replaced by T.
Protein change: p.Arg160Leu; replaces arginine 160 with leucine.
Molecular consequence: missense variant.
Genome position (GRCh38, 1-based): chr1:34,785,241, G>T. VCF-style: chr1-34785241-G-T. GRCh37 (hg19) VCF-style: chr1-35250842-G-T.
Other names: c.479G>T, p.Arg160Leu (NM_001005752.2); short protein forms R160L.
Identifiers: ClinVar variation 3768801 (VCV003768801.1).

ClinVar aggregate classification (germline): Uncertain significance (1 of 4 stars; one submission).

gnomAD v4.1: 12 of 1,613,758 alleles (0.00074%); highest among the groups gnomAD compares: African/African-American, 0.0013%; no homozygotes.

Submission:

Women's Health and Genetics/Laboratory Corporation of America, LabCorp
Classification: Uncertain significance. Last evaluated: 2025-02-03. Review status: criteria provided, single submitter. Criteria: LabCorp Variant Classification Summary - May 2015. Collection method: clinical testing. Allele origin: germline.
Comment: Variant summary: GJB3 c.479G>T (p.Arg160Leu) results in a non-conservative amino acid change located in the Connexin (IPR013092) of the encoded protein sequence. Three of five in-silico tools predict a damaging effect of the variant on protein function. The variant allele was found at a frequency of 3.6e-05 in 251364 control chromosomes. The available data on variant occurrences in the general population are insufficient to allow any conclusion about variant significance. To our knowledge, no occurrence of c.479G>T in individuals affected with GJB3-Related Disorders and no experimental evidence demonstrating its impact on protein function have been reported. No submitters have cited clinical-significance assessments for this variant to ClinVar. Based on the evidence outlined above, the variant was classified as uncertain significance.